The following is an entry in ClinVar:

ClinVar aggregate classification (germline): Likely pathogenic (1 of 4 stars; one submission).

Conditions:
Juvenile myelomonocytic leukemia (JMML). Also called: LEUKEMIA, JUVENILE MYELOMONOCYTIC, SOMATIC. Identifiers: Orphanet 86834, MedGen C0349639, MONDO:0011908, OMIM 607785, HP:0012209.
Neurofibromatosis-Noonan syndrome (NFNS). Also called: NEUROFIBROMATOSIS WITH NOONAN PHENOTYPE. Identifiers: Orphanet 638, MedGen C2931482, MONDO:0011035, OMIM 601321. Disease mechanism: loss of function.
Café-au-lait macules with pulmonary stenosis (WTSN). Also called: PULMONIC STENOSIS WITH CAFE-AU-LAIT SPOTS. Identifiers: MedGen C0553586, MONDO:0008672, OMIM 193520.
Neurofibromatosis, type 1 (NF1). Also called: Peripheral type neurofibromatosis; VON RECKLINGHAUSEN DISEASE; Neurofibromatosis, type I; NEUROFIBROMATOSIS, TYPE I, SOMATIC. Identifiers: Orphanet 636, MedGen C0027831, MONDO:0018975, OMIM 162200. Disease mechanism: loss of function.
Neurofibromatosis, familial spinal (FSNF). Identifiers: Orphanet 636, MedGen C1834235, MONDO:0008078, OMIM 162210. Disease mechanism: loss of function.

Submission:

Juno Genomics, Hangzhou Juno Genomics, Inc
Classification: Likely pathogenic for Café-au-lait macules with pulmonary stenosis; Neurofibromatosis, type 1; Juvenile myelomonocytic leukemia; Neurofibromatosis, familial spinal; Neurofibromatosis-Noonan syndrome. Review status: criteria provided, single submitter. Criteria: ACMG Guidelines, 2015. Collection method: clinical testing. Allele origin: germline.
Comment: Null variant in a gene where loss of function (LOF) is a known mechanism of disease.;Absent from controls (or at extremely low frequency if recessive) in Genome Aggregation Database.

NM_001042492.3(NF1):c.4762A>T (p.Lys1588Ter)

Gene: NF1 (neurofibromin 1; plus strand). Cytogenetic location: 17q11.2.
Variant type: single nucleotide variant.
Coding change: c.4762A>T on transcript NM_001042492.3 (MANE Select); coding-DNA position 4762, A replaced by T.
Protein change: p.Lys1588Ter; replaces lysine 1588 with a stop codon.
Molecular consequence: nonsense.
Genome position (GRCh38, 1-based): chr17:31,265,266, A>T. VCF-style: chr17-31265266-A-T. GRCh37 (hg19) VCF-style: chr17-29592284-A-T.
Other names: c.4699A>T, p.Lys1567Ter (NM_000267.4); short protein forms K1567*, K1588*.
Identifiers: ClinVar variation 5005736 (VCV005005736.2).